The following is an entry in ClinVar:

ClinVar aggregate classification (germline): Likely benign. Review status: criteria provided, multiple submitters, no conflicts (2 of 4 stars). 3 submissions from 3 submitters: Likely benign (3). Last evaluated 2025-08-01.

Conditions:
Gorlin syndrome. Also called: Nevoid Basal Cell Carcinoma Syndrome; Basal cell nevus syndrome. Identifiers: Orphanet 377, MedGen C0004779, MONDO:0007187.
Medulloblastoma (MDB). Also called: Medulloblastoma, somatic; MEDULLOBLASTOMA PREDISPOSITION SYNDROME. Identifiers: Orphanet 616, MedGen C0025149, MeSH D008527, MONDO:0007959, OMIM 155255, HP:0002885.
Hereditary cancer-predisposing syndrome. Also called: Neoplastic Syndromes, Hereditary; Tumor predisposition; Hereditary neoplastic syndrome; Hereditary Cancer Syndrome. Identifiers: Orphanet 140162, MedGen C0027672, MeSH D009386, MONDO:0015356.

Allele frequency attached by ClinVar (database versions not stated): gnomAD exomes below 0.00001.

Submissions (3):

CeGaT Center for Human Genetics Tuebingen
Classification: Likely benign. Last evaluated: 2025-08-01. Review status: criteria provided, single submitter. Criteria: CeGaT Center For Human Genetics Tuebingen Variant Classification Criteria Version 2. Collection method: clinical testing. Allele origin: germline. Affected: yes. Observed: 2 variant alleles.
Comment: SUFU: PM2:Supporting, BP4, BP7

Labcorp Genetics (formerly Invitae), Labcorp
Classification: Likely benign for Gorlin syndrome; Medulloblastoma. Last evaluated: 2024-03-17. Review status: criteria provided, single submitter. Criteria: Invitae Variant Classification Sherloc (09022015). Collection method: clinical testing. Allele origin: germline.

Ambry Genetics
Classification: Likely benign for Hereditary cancer-predisposing syndrome. Last evaluated: 2023-01-14. Review status: criteria provided, single submitter. Criteria: Ambry Variant Classification Scheme 2023. Collection method: clinical testing. Allele origin: germline.

NM_016169.4(SUFU):c.573C>T (p.Pro191=)

Gene: SUFU (SUFU negative regulator of hedgehog signaling; plus strand). Cytogenetic location: 10q24.32.
Variant type: single nucleotide variant.
Coding change: c.573C>T on transcript NM_016169.4 (MANE Select); coding-DNA position 573, C replaced by T.
Protein change: p.Pro191=; no amino-acid change (proline 191 retained).
Molecular consequence: synonymous variant.
Genome position (GRCh38, 1-based): chr10:102,592,700, C>T. VCF-style: chr10-102592700-C-T. GRCh37 (hg19) VCF-style: chr10-104352457-C-T.
Other names: c.573C>T, p.Pro191= (NM_001178133.2).
Identifiers: ClinVar variation 699630 (VCV000699630.30), dbSNP rs1170074019, ClinGen allele CA471298371.
Genomic context (GRCh38, chr10:102,592,700, plus strand): 5'-GTCAAGAATTCAGCACATGCTGCTGACAGAGGACCCACAGATGCAGCCCGTGCAGACACC[C>T]TTTGGGGTAGTTACCTTCCTCCAGGTGAGGCACAGGTTGGACGCTGGCTCAAGCCTTCCT-3'
Protein context (NP_057253.2, residues 181-201): EDPQMQPVQT[Pro191=]FGVVTFLQIV